The following is an entry in ClinVar:

NM_001048174.2(MUTYH):c.745G>T (p.Asp249Tyr)

Gene: MUTYH (mutY DNA glycosylase; minus strand). Cytogenetic location: 1p34.1.
Variant type: single nucleotide variant.
Coding change: c.745G>T on transcript NM_001048174.2 (MANE Select); coding-DNA position 745, G replaced by T.
Protein change: p.Asp249Tyr; replaces aspartic acid 249 with tyrosine.
Molecular consequence: missense variant. On other transcripts: non-coding transcript variant (2).
Genome position (GRCh38, 1-based): chr1:45,332,270, C>A on the plus strand (G>T on the coding strand, the complement: MUTYH is on the minus strand). VCF-style: chr1-45332270-C-A. GRCh37 (hg19) VCF-style: chr1-45797942-C-A.
Other names: c.745G>T, p.Asp249Tyr (NM_001048171.2, NM_001048173.2, NM_001293195.2); c.748G>T, p.Asp250Tyr (NM_001048172.2); c.829G>T, p.Asp277Tyr (NM_001128425.2); c.790G>T, p.Asp264Tyr (NM_001293190.2); c.778G>T, p.Asp260Tyr (NM_001293191.2); c.469G>T, p.Asp157Tyr (NM_001293192.2, NM_001293196.2); c.400G>T, p.Asp134Tyr (NM_001350650.2, NM_001350651.2); c.820G>T, p.Asp274Tyr (NM_012222.3); short protein forms D277Y, D134Y, D249Y, D260Y, D264Y, D274Y, D250Y, D157Y.
Identifiers: ClinVar variation 480014 (VCV000480014.15), dbSNP rs1553127779, ClinGen allele CA340134652.

ClinVar aggregate classification (germline): Conflicting classifications of pathogenicity. Review status: criteria provided, conflicting classifications (1 of 4 stars). 2 submissions from 2 submitters: Likely pathogenic (1); Uncertain significance (1). Last evaluated 2025-08-15.

Conditions:
Hereditary cancer-predisposing syndrome. Also called: Hereditary neoplastic syndrome; Hereditary Cancer Syndrome; Neoplastic Syndromes, Hereditary; Tumor predisposition. Identifiers: Orphanet 140162, MedGen C0027672, MeSH D009386, MONDO:0015356.
Familial adenomatous polyposis 2. Also called: MYH-associated polyposis; COLORECTAL ADENOMATOUS POLYPOSIS, AUTOSOMAL RECESSIVE; ADENOMAS, MULTIPLE COLORECTAL, AUTOSOMAL RECESSIVE; MUTYH-related attenuated familial adenomatous polyposis; Adenomas, multiple colorectal; FAP type 2. Identifiers: Orphanet 220460, Orphanet 247798, MedGen C3272841, MONDO:0012041, OMIM 608456.

Submissions (2):

Ambry Genetics
Classification: Likely pathogenic for Hereditary cancer-predisposing syndrome. Last evaluated: 2025-08-15. Review status: criteria provided, single submitter. Criteria: Ambry Variant Classification Scheme 2023. Collection method: clinical testing. Allele origin: germline.
Comment: The p.D277Y variant (also known as c.829G>T), located in coding exon 10 of the MUTYH gene, results from a G to T substitution at nucleotide position 829. The aspartic acid at codon 277 is replaced by tyrosine, an amino acid with highly dissimilar properties. In a massively parallel cell-based functional assay testing 7,8-dihydro-8- oxoguanine:adenine (8OG:A) repair activity, a byproduct of oxidative damage, this variant was reported to be non-functional (Hemker SL et al. Am J Hum Genet. Published online July 29, 2025. DOI: 10.1016/j.ajhg.2025.07.005). This amino acid position is highly conserved in available vertebrate species. In addition, this alteration is predicted to be deleterious by in silico analysis. This variant is considered to be rare based on population cohorts in the Genome Aggregation Database (gnomAD). Based on the majority of available evidence to date, this variant is likely to be pathogenic.

Labcorp Genetics (formerly Invitae), Labcorp
Classification: Uncertain significance for Familial adenomatous polyposis 2. Last evaluated: 2021-05-21. Review status: criteria provided, single submitter. Criteria: Invitae Variant Classification Sherloc (09022015). Collection method: clinical testing. Allele origin: germline.
Comment: In summary, the available evidence is currently insufficient to determine the role of this variant in disease. Therefore, it has been classified as a Variant of Uncertain Significance. Algorithms developed to predict the effect of missense changes on protein structure and function (SIFT, PolyPhen-2, Align-GVGD) all suggest that this variant is likely to be disruptive, but these predictions have not been confirmed by published functional studies and their clinical significance is uncertain. This variant has not been reported in the literature in individuals with MUTYH-related disease. ClinVar contains an entry for this variant (Variation ID: 480014). This variant is not present in population databases (ExAC no frequency). This sequence change replaces aspartic acid with tyrosine at codon 277 of the MUTYH protein (p.Asp277Tyr). The aspartic acid residue is highly conserved and there is a large physicochemical difference between aspartic acid and tyrosine.